The following is an entry in ClinVar:

NM_001556.3(IKBKB):c.353G>A (p.Arg118Gln)

Genes: IKBKB (inhibitor of nuclear factor kappa B kinase subunit beta; plus strand), LOC126860373 (CDK7 strongly-dependent group 2 enhancer GRCh37_chr8:42150166-42151365; plus strand). Cytogenetic location: 8p11.21.
Variant type: single nucleotide variant.
Coding change: c.353G>A on transcript NM_001556.3 (MANE Select); coding-DNA position 353, G replaced by A.
Protein change: p.Arg118Gln; replaces arginine 118 with glutamine.
Molecular consequence: missense variant. On other transcripts: non-coding transcript variant (3).
Genome position (GRCh38, 1-based): chr8:42,293,477, G>A. VCF-style: chr8-42293477-G-A. GRCh37 (hg19) VCF-style: chr8-42150995-G-A.
Other names: c.161G>A, p.Arg54Gln (NM_001190720.3); c.176G>A, p.Arg59Gln (NM_001242778.2); short protein forms R59Q, R118Q, R54Q.
Identifiers: ClinVar variation 650274 (VCV000650274.6), dbSNP rs139712776, ClinGen allele CA4731640.
Genomic context (GRCh38, chr8:42,293,477, plus strand): 5'-GATGCTGCTTTTCACTTTCTTGACAGTACCTGAACCAGTTTGAGAACTGCTGTGGTCTGC[G>A]GGAAGGTGCCATCCTCACCTTGCTGAGTGACATTGGTAAATCCCAGTCCCGGAATTCAGG-3'
Protein context (NP_001547.1, residues 108-128): LNQFENCCGL[Arg118Gln]EGAILTLLSD

ClinVar aggregate classification (germline): Uncertain significance. Review status: criteria provided, multiple submitters, no conflicts (2 of 4 stars). 2 submissions from 2 submitters: Uncertain significance (2). Last evaluated 2025-01-11.

Conditions:
IKBKB-related disorder. Also called: IKBKB-related condition.
Severe combined immunodeficiency due to IKK2 deficiency. Also called: IMMUNODEFICIENCY 15B; Immunodeficiency 15. Identifiers: Orphanet 397787, MedGen C4747743, MONDO:0014267, OMIM 615592.

Allele frequency attached by ClinVar (database versions not stated): TOPMed 0.00003; gnomAD exomes 0.00004 and 0.00002; ESP Exome Variant Server 0.00008; ExAC 0.00002; gnomAD 0.00003.
gnomAD v4.1: 60 of 1,614,032 alleles (0.0037%); highest among the groups gnomAD compares: Non-Finnish European, 0.0047%; no homozygotes.

Submissions (2):

PreventionGenetics, part of Exact Sciences
Classification: Uncertain significance for IKBKB-related condition. Last evaluated: 2025-01-11. Review status: criteria provided, single submitter. Criteria: ACMG Guidelines, 2015. Collection method: clinical testing. Allele origin: germline.
Comment: The IKBKB c.353G>A variant is predicted to result in the amino acid substitution p.Arg118Gln. To our knowledge, this variant has not been reported in the literature. This variant is reported in 0.0062% of alleles in individuals of African descent in gnomAD. At this time, the clinical significance of this variant is uncertain due to the absence of conclusive functional and genetic evidence.

Labcorp Genetics (formerly Invitae), Labcorp
Classification: Uncertain significance for Severe combined immunodeficiency due to IKK2 deficiency. Last evaluated: 2024-12-07. Review status: criteria provided, single submitter. Criteria: Invitae Variant Classification Sherloc (09022015). Collection method: clinical testing. Allele origin: germline.
Comment: This sequence change replaces arginine, which is basic and polar, with glutamine, which is neutral and polar, at codon 118 of the IKBKB protein (p.Arg118Gln). This variant is present in population databases (rs139712776, gnomAD 0.007%). This variant has not been reported in the literature in individuals affected with IKBKB-related conditions. ClinVar contains an entry for this variant (Variation ID: 650274). Invitae Evidence Modeling of protein sequence and biophysical properties (such as structural, functional, and spatial information, amino acid conservation, physicochemical variation, residue mobility, and thermodynamic stability) indicates that this missense variant is not expected to disrupt IKBKB protein function with a negative predictive value of 95%. In summary, the available evidence is currently insufficient to determine the role of this variant in disease. Therefore, it has been classified as a Variant of Uncertain Significance.